The following is an entry in ClinVar:

NM_004304.5(ALK):c.4302G>T (p.Glu1434Asp)

Gene: ALK (ALK receptor tyrosine kinase; minus strand). Cytogenetic location: 2p23.2.
Variant type: single nucleotide variant.
Coding change: c.4302G>T on transcript NM_004304.5 (MANE Select); coding-DNA position 4302, G replaced by T.
Protein change: p.Glu1434Asp; replaces glutamic acid 1434 with aspartic acid.
Molecular consequence: missense variant.
Genome position (GRCh38, 1-based): chr2:29,193,785, C>A on the plus strand (G>T on the coding strand, the complement: ALK is on the minus strand). VCF-style: chr2-29193785-C-A. GRCh37 (hg19) VCF-style: chr2-29416651-C-A.
Other names: c.1098G>T, p.Glu366Asp (NM_001353765.2); short protein forms E1434D, E366D.
Identifiers: ClinVar variation 3223898 (VCV003223898.1), dbSNP rs2148138770, ClinGen allele CA346462717.

ClinVar aggregate classification (germline): Uncertain significance (1 of 4 stars; one submission).

Conditions:
Hereditary cancer-predisposing syndrome. Also called: Tumor predisposition; Hereditary neoplastic syndrome; Hereditary Cancer Syndrome; Neoplastic Syndromes, Hereditary. Identifiers: Orphanet 140162, MedGen C0027672, MeSH D009386, MONDO:0015356.

Submission:

Ambry Genetics
Classification: Uncertain significance for Hereditary cancer-predisposing syndrome. Last evaluated: 2024-01-19. Review status: criteria provided, single submitter. Criteria: Ambry Variant Classification Scheme 2023. Collection method: clinical testing. Allele origin: germline.
Comment: The p.E1434D variant (also known as c.4302G>T), located in coding exon 29 of the ALK gene, results from a G to T substitution at nucleotide position 4302. The glutamic acid at codon 1434 is replaced by aspartic acid, an amino acid with highly similar properties. This amino acid position is conserved. In addition, this alteration is predicted to be tolerated by in silico analysis. Based on the available evidence, the clinical significance of this alteration remains unclear.